The following is an entry in ClinVar:

NM_001042750.2(STAG2):c.2771A>G (p.Gln924Arg)

Gene: STAG2 (STAG2 cohesin complex component; plus strand). Cytogenetic location: Xq25.
Variant type: single nucleotide variant.
Coding change: c.2771A>G on transcript NM_001042750.2 (MANE Select); coding-DNA position 2771, A replaced by G.
Protein change: p.Gln924Arg; replaces glutamine 924 with arginine.
Molecular consequence: missense variant.
Genome position (GRCh38, 1-based): chrX:124,078,054, A>G. VCF-style: chrX-124078054-A-G. GRCh37 (hg19) VCF-style: chrX-123211904-A-G.
Other names: c.2771A>G, p.Gln924Arg (NM_001042749.2, NM_001042751.2, NM_001282418.2 and 13 more transcripts); short protein forms Q924R.
Identifiers: ClinVar variation 2571668 (VCV002571668.1), dbSNP rs2522195750, ClinGen allele CA414279081.

ClinVar aggregate classification (germline): Uncertain significance (1 of 4 stars; one submission).

Submission:

GeneDx
Classification: Uncertain significance. Last evaluated: 2023-01-08. Review status: criteria provided, single submitter. Criteria: GeneDx Variant Classification Process June 2021. Collection method: clinical testing. Allele origin: germline. Affected: yes.
Comment: Not observed at significant frequency in large population cohorts (gnomAD); In silico analysis supports that this missense variant does not alter protein structure/function; Has not been previously published as pathogenic or benign to our knowledge